The following is an entry in ClinVar:

ClinVar aggregate classification (germline): Uncertain significance (1 of 4 stars; one submission).

Conditions:
Hereditary cancer-predisposing syndrome. Also called: Tumor predisposition; Neoplastic Syndromes, Hereditary; Hereditary neoplastic syndrome; Hereditary Cancer Syndrome. Identifiers: Orphanet 140162, MedGen C0027672, MeSH D009386, MONDO:0015356.

Submission:

Molecular Diagnostics Laboratory, Catalan Institute of Oncology
Classification: Uncertain significance for Hereditary cancer-predisposing syndrome. Last evaluated: 2025-06-26. Review status: criteria provided, single submitter. Criteria: ClinGen BRCA1BRCA2 ACMG Specifications BRCA1 V1.0.0. Collection method: clinical testing. Allele origin: germline.
Comment: c.4227_4229dup, located in exon 12 of the BRCA1 gene, consists in the duplication of 3 nucleotides, predicted to cause an in-frame duplication of 1 amino acid, p.(Glu1410dup). This position is inside a (potentially) clinically important functional domain and, moreover, the SpliceAI algorithm predicts no significant impact on splicing. It is not present in the population database gnomAD v2.1.1, non cancer dataset. To our knowledge, neither relevant clinical data nor well-established functional studies have been reported for this variant In addition, the variant has been reported in the ClinVar (1x uncertain significance) and BRCA Exchange (not yet reviewed) databases, but not in the LOVD database. Based on currently available information, the variant c.4227_4229dup should be considered an uncertain significance variant.

NM_007294.4(BRCA1):c.4227_4228insAGG (p.Gln1409_Glu1410insArg)

Gene: BRCA1 (BRCA1 DNA repair associated; minus strand). Cytogenetic location: 17q21.31.
Variant type: Insertion.
Coding change: c.4227_4228insAGG on transcript NM_007294.4 (MANE Select); coding-DNA positions 4227 to 4228, AGG inserted.
Protein change: p.Gln1409_Glu1410insArg.
Molecular consequence: inframe insertion.
Genome position: GRCh38 VCF-style: chr17-43082533-C-CCCT. GRCh37 (hg19) VCF-style: chr17-41234550-C-CCCT.
Other names: c.774_775insAGG, p.Gln258_Glu259insArg (NM_001408468.1, NM_001408469.1, NM_001408462.1 and 5 more transcripts); c.771_772insAGG, p.Gln257_Glu258insArg (NM_001408470.1); c.915_916insAGG, p.Gln305_Glu306insArg (NM_001408472.1, NM_001408473.1, NM_001408404.1 and 18 more transcripts); c.717_718insAGG, p.Gln239_Glu240insArg (NM_001408474.1, NM_001408476.1); c.714_715insAGG, p.Gln238_Glu239insArg (NM_001408475.1); c.708_709insAGG, p.Gln236_Glu237insArg (NM_001408478.1, NM_001408479.1, NM_001408480.1 and 6 more transcripts); c.705_706insAGG, p.Gln235_Glu236insArg (NM_001408489.1, NM_001408490.1, NM_001408491.1 and 3 more transcripts); c.4014_4015insAGG, p.Gln1338_Glu1339insArg (NM_001407571.1, NM_001407853.1, NM_001407894.1 and 12 more transcripts); and 51 more.
Identifiers: ClinVar variation 4082358 (VCV004082358.1).